The following is an entry in ClinVar:

ClinVar aggregate classification (germline): Uncertain significance (1 of 4 stars; one submission).

gnomAD v4.1: 5 of 1,614,060 alleles (0.00031%); highest among the groups gnomAD compares: South Asian, 0.0011%; no homozygotes.

Submission:

Labcorp Genetics (formerly Invitae), Labcorp
Classification: Uncertain significance. Last evaluated: 2025-10-26. Review status: criteria provided, single submitter. Criteria: Invitae Variant Classification Sherloc (09022015). Collection method: clinical testing. Allele origin: germline.
Comment: This sequence change replaces proline, which is neutral and non-polar, with threonine, which is neutral and polar, at codon 2497 of the COL7A1 protein (p.Pro2497Thr). This variant is present in population databases (no rsID available, gnomAD 0.003%). This variant has not been reported in the literature in individuals affected with COL7A1-related conditions. Invitae Evidence Modeling of protein sequence and biophysical properties (such as structural, functional, and spatial information, amino acid conservation, physicochemical variation, residue mobility, and thermodynamic stability) indicates that this missense variant is not expected to disrupt COL7A1 protein function with a negative predictive value of 95%. In summary, the available evidence is currently insufficient to determine the role of this variant in disease. Therefore, it has been classified as a Variant of Uncertain Significance.

NM_000094.4(COL7A1):c.7489C>A (p.Pro2497Thr)

Gene: COL7A1 (collagen type VII alpha 1 chain; minus strand). Cytogenetic location: 3p21.31.
Variant type: single nucleotide variant.
Coding change: c.7489C>A on transcript NM_000094.4 (MANE Select); coding-DNA position 7489, C replaced by A.
Protein change: p.Pro2497Thr; replaces proline 2497 with threonine.
Molecular consequence: missense variant.
Genome position (GRCh38, 1-based): chr3:48,569,912, G>T on the plus strand (C>A on the coding strand, the complement: COL7A1 is on the minus strand). VCF-style: chr3-48569912-G-T. GRCh37 (hg19) VCF-style: chr3-48607345-G-T.
Other names: short protein forms P2497T.
Identifiers: ClinVar variation 4705944 (VCV004705944.1).